The following is an entry in ClinVar:

ClinVar aggregate classification (germline): Uncertain significance (1 of 4 stars; one submission).

Submission:

GeneDx
Classification: Uncertain significance. Last evaluated: 2024-01-30. Review status: criteria provided, single submitter. Criteria: GeneDx Variant Classification Process June 2021. Collection method: clinical testing. Allele origin: germline. Affected: yes.
Comment: Not observed at significant frequency in large population cohorts (gnomAD); In silico analysis supports that this missense variant has a deleterious effect on protein structure/function; Has not been previously published as pathogenic or benign to our knowledge

NM_006421.5(ARFGEF1):c.446T>A (p.Leu149Gln)

Gene: ARFGEF1 (ARF guanine nucleotide exchange factor 1; minus strand). Cytogenetic location: 8q13.2.
Variant type: single nucleotide variant.
Coding change: c.446T>A on transcript NM_006421.5 (MANE Select); coding-DNA position 446, T replaced by A.
Protein change: p.Leu149Gln; replaces leucine 149 with glutamine.
Molecular consequence: missense variant. On other transcripts: 5 prime UTR variant (4), non-coding transcript variant (1).
Genome position (GRCh38, 1-based): chr8:67,299,222, A>T on the plus strand (T>A on the coding strand, the complement: ARFGEF1 is on the minus strand). VCF-style: chr8-67299222-A-T. GRCh37 (hg19) VCF-style: chr8-68211457-A-T.
Other names: c.446T>A, p.Leu149Gln (NM_001413184.1, NM_001413185.1, NM_001413186.1 and 7 more transcripts); c.-155T>A (NM_001413188.1, NM_001413193.1, NM_001413197.1); c.-670T>A (NM_001413196.1); short protein forms L149Q.
Identifiers: ClinVar variation 3368284 (VCV003368284.1).